The following is an entry in ClinVar:

ClinVar aggregate classification (germline): Uncertain significance (1 of 4 stars; one submission).

Conditions:
3-methylcrotonyl-CoA carboxylase 2 deficiency. Also called: 3 alpha methylcrotonyl-CoA carboxylase 2 deficiency; 3 alpha methylcrotonylglycinuria 2; MCC 2 deficiency; Methylcrotonylglycinuria type 2; METHYLCROTONYLGLYCINURIA, TYPE II. Identifiers: Orphanet 6, MedGen C1859499, MONDO:0008862, OMIM 210210.

Allele frequency attached by ClinVar (database versions not stated): gnomAD exomes below 0.00001; ExAC 0.00001.

Submission:

Labcorp Genetics (formerly Invitae), Labcorp
Classification: Uncertain significance for 3-methylcrotonyl-CoA carboxylase 2 deficiency. Last evaluated: 2025-03-17. Review status: criteria provided, single submitter. Criteria: Invitae Variant Classification Sherloc (09022015). Collection method: clinical testing. Allele origin: germline.
Comment: This sequence change replaces cysteine, which is neutral and slightly polar, with arginine, which is basic and polar, at codon 391 of the MCCC2 protein (p.Cys391Arg). This variant is present in population databases (rs781478040, gnomAD 0.0009%). This variant has not been reported in the literature in individuals affected with MCCC2-related conditions. ClinVar contains an entry for this variant (Variation ID: 1003884). Invitae Evidence Modeling of protein sequence and biophysical properties (such as structural, functional, and spatial information, amino acid conservation, physicochemical variation, residue mobility, and thermodynamic stability) indicates that this missense variant is expected to disrupt MCCC2 protein function with a positive predictive value of 80%. In summary, the available evidence is currently insufficient to determine the role of this variant in disease. Therefore, it has been classified as a Variant of Uncertain Significance.

NM_022132.5(MCCC2):c.1171T>C (p.Cys391Arg)

Gene: MCCC2 (methylcrotonyl-CoA carboxylase subunit 2; plus strand). Cytogenetic location: 5q13.2.
Variant type: single nucleotide variant.
Coding change: c.1171T>C on transcript NM_022132.5 (MANE Select); coding-DNA position 1171, T replaced by C.
Protein change: p.Cys391Arg; replaces cysteine 391 with arginine.
Molecular consequence: missense variant.
Genome position (GRCh38, 1-based): chr5:71,646,232, T>C. VCF-style: chr5-71646232-T-C. GRCh37 (hg19) VCF-style: chr5-70942059-T-C.
Other names: c.1057T>C, p.Cys353Arg (NM_001363147.1); short protein forms C353R, C391R.
Identifiers: ClinVar variation 1003884 (VCV001003884.8), dbSNP rs781478040, ClinGen allele CA3298058.